The following is an entry in ClinVar:

ClinVar aggregate classification (germline): Uncertain significance. Review status: criteria provided, multiple submitters, no conflicts (2 of 4 stars). 2 submissions from 2 submitters: Uncertain significance (2). Last evaluated 2025-02-04.

Conditions:
Inborn genetic diseases. Identifiers: MedGen C0950123, MeSH D030342.
Developmental delay, behavioral abnormalities, and neuropsychiatric disorders (DEDBANP). Identifiers: MedGen C5774224, MONDO:0859292, OMIM 620065.

Allele frequency attached by ClinVar (database versions not stated): ExAC 0.00001; gnomAD 0.00004; TOPMed 0.00005; ESP Exome Variant Server 0.00008.
gnomAD v4.1: 23 of 1,613,984 alleles (0.0014%); highest among the groups gnomAD compares: African/African-American, 0.0093%; no homozygotes.

Submissions (2):

Ambry Genetics
Classification: Uncertain significance for Inborn genetic diseases. Last evaluated: 2025-02-04. Review status: criteria provided, single submitter. Criteria: Ambry Variant Classification Scheme 2023. Collection method: clinical testing. Allele origin: germline.

Clinical Genomics Laboratory, Washington University in St. Louis
Classification: Uncertain significance for Developmental delay, behavioral abnormalities, and neuropsychiatric disorders. Last evaluated: 2023-12-15. Review status: criteria provided, single submitter. Criteria: ACMG Guidelines, 2015. Collection method: clinical testing. Allele origin: germline.
Comment: The ADGRL1 c.3323G>A (p.Arg1108His) variant, to our knowledge, has not been reported in the medical literature and is only observed on 2/282,752 alleles in the general population (gnomAD v.2.1.1), indicating it is not a common variant. This variant is located in the transmembrane domain but computational predictors are uncertain as to the impact of this variant on ADGRL1 function. Due to limited information, and based on ACMG/AMP guidelines for variant interpretation (Richards S et al., PMID: 25741868), the clinical significance of this variant is uncertain at this time.

NM_014921.5(ADGRL1):c.3323G>A (p.Arg1108His)

Genes: ADGRL1 (adhesion G protein-coupled receptor L1; minus strand), ADGRL1-AS1 (ADGRL1 antisense RNA 1; plus strand). Cytogenetic location: 19p13.12.
Variant type: single nucleotide variant.
Coding change: c.3323G>A on transcript NM_014921.5 (MANE Select); coding-DNA position 3323, G replaced by A.
Protein change: p.Arg1108His; replaces arginine 1108 with histidine.
Molecular consequence: missense variant.
Genome position (GRCh38, 1-based): chr19:14,152,884, C>T on the plus strand (G>A on the coding strand, the complement: ADGRL1 is on the minus strand). VCF-style: chr19-14152884-C-T. GRCh37 (hg19) VCF-style: chr19-14263696-C-T.
Other names: c.3338G>A, p.Arg1113His (NM_001008701.3); c.3338G>A (NM_001008701.2); short protein forms R1108H, R1113H.
Identifiers: ClinVar variation 3236554 (VCV003236554.2), dbSNP rs374429313, ClinGen allele CA9250121.
Genomic context (GRCh38, chr19:14,152,884, plus strand): 5'-GAGGTCTTGAGGGATCCGTGAGTGCCCCCGGGTGGGGAGCGGATGCAGCAGTAGGAGTGA[C>T]GCAGGCACTTGCTGTACTCCTTGTGCACCTGGGAGGTGGAGGACAGTCAGCTGGCTGGGA-3'
Protein context (NP_055736.2, residues 1098-1118): KVHKEYSKCL[Arg1108His]HSYCCIRSPP